The following is an entry in ClinVar:

NM_022114.4(PRDM16):c.2662C>G (p.Arg888Gly)

Gene: PRDM16 (PR/SET domain 16; plus strand). Cytogenetic location: 1p36.32.
Variant type: single nucleotide variant.
Coding change: c.2662C>G on transcript NM_022114.4 (MANE Select); coding-DNA position 2662, C replaced by G.
Protein change: p.Arg888Gly; replaces arginine 888 with glycine.
Molecular consequence: missense variant.
Genome position (GRCh38, 1-based): chr1:3,414,618, C>G. VCF-style: chr1-3414618-C-G. GRCh37 (hg19) VCF-style: chr1-3331182-C-G.
Other names: c.2662C>G, p.Arg888Gly (NM_199454.3); short protein forms R888G.
Identifiers: ClinVar variation 3352416 (VCV003352416.1).

ClinVar aggregate classification (germline): Uncertain significance (0 of 4 stars; one submission).

Conditions:
PRDM16-related disorder. Also called: PRDM16-related condition.

gnomAD v4.1: 1 of 1,613,252 alleles (0.000062%); highest among the groups gnomAD compares: Middle Eastern, 0.017%; no homozygotes.

Submission:

PreventionGenetics, part of Exact Sciences
Classification: Uncertain significance for PRDM16-related condition. Last evaluated: 2024-08-31. Review status: no assertion criteria provided. Collection method: clinical testing. Allele origin: germline.
Comment: The PRDM16 c.2662C>G variant is predicted to result in the amino acid substitution p.Arg888Gly. To our knowledge, this variant has not been reported in the literature or in a large population database, indicating this variant is rare. At this time, the clinical significance of this variant is uncertain due to the absence of conclusive functional and genetic evidence.